The following is an entry in ClinVar:

ClinVar aggregate classification (germline): Uncertain significance. Review status: criteria provided, multiple submitters, no conflicts (2 of 4 stars). 4 submissions from 4 submitters: Uncertain significance (4). Last evaluated 2024-10-22.

Conditions:
Developmental and epileptic encephalopathy, 18 (DEE18). Also called: Early infantile epileptic encephalopathy 18. Identifiers: Orphanet 369894, MedGen C3809624, MONDO:0014201, OMIM 615476.

Allele frequency attached by ClinVar (database versions not stated): ExAC 0.00002; gnomAD exomes below 0.00001 and 0.00002; TOPMed 0.00001.
gnomAD v4.1: 5 of 1,613,970 alleles (0.00031%); highest among the groups gnomAD compares: Admixed American, 0.0083%; no homozygotes.

Submissions (4):

Labcorp Genetics (formerly Invitae), Labcorp
Classification: Uncertain significance. Last evaluated: 2024-10-22. Review status: criteria provided, single submitter. Criteria: Invitae Variant Classification Sherloc (09022015). Collection method: clinical testing. Allele origin: germline.
Comment: This sequence change replaces histidine, which is basic and polar, with arginine, which is basic and polar, at codon 3005 of the SZT2 protein (p.His3005Arg). This variant is present in population databases (rs745917157, gnomAD 0.01%). This variant has not been reported in the literature in individuals affected with SZT2-related conditions. ClinVar contains an entry for this variant (Variation ID: 1033344). Invitae Evidence Modeling of protein sequence and biophysical properties (such as structural, functional, and spatial information, amino acid conservation, physicochemical variation, residue mobility, and thermodynamic stability) has been performed for this missense variant. However, the output from this modeling did not meet the statistical confidence thresholds required to predict the impact of this variant on SZT2 protein function. In summary, the available evidence is currently insufficient to determine the role of this variant in disease. Therefore, it has been classified as a Variant of Uncertain Significance.

Revvity Omics, Revvity
Classification: Uncertain significance for Developmental and epileptic encephalopathy, 18. Last evaluated: 2023-08-18. Review status: criteria provided, single submitter. Criteria: ACMG Guidelines, 2015. Collection method: clinical testing. Allele origin: germline.

Genome-Nilou Lab
Classification: Uncertain significance for Developmental and epileptic encephalopathy, 18. Last evaluated: 2023-04-11. Review status: criteria provided, single submitter. Criteria: ACMG Guidelines, 2015. Collection method: clinical testing. Allele origin: germline. Affected: no.

Baylor Genetics
Classification: Uncertain significance for Developmental and epileptic encephalopathy, 18. Last evaluated: 2018-11-08. Review status: criteria provided, single submitter. Criteria: ACMG Guidelines, 2015. Collection method: clinical testing. Allele origin: paternal. Affected: yes.
Comment: This variant was determined to be of uncertain significance according to ACMG Guidelines, 2015 [PMID:25741868].

NM_001365999.1(SZT2):c.9185A>G (p.His3062Arg)

Gene: SZT2 (SZT2 subunit of KICSTOR complex; plus strand). Cytogenetic location: 1p34.2.
Variant type: single nucleotide variant.
Coding change: c.9185A>G on transcript NM_001365999.1 (MANE Select); coding-DNA position 9185, A replaced by G.
Protein change: p.His3062Arg; replaces histidine 3062 with arginine.
Molecular consequence: missense variant.
Genome position (GRCh38, 1-based): chr1:43,447,067, A>G. VCF-style: chr1-43447067-A-G. GRCh37 (hg19) VCF-style: chr1-43912738-A-G.
Other names: c.9014A>G, p.His3005Arg (NM_015284.4); short protein forms H3005R, H3062R.
Identifiers: ClinVar variation 1033344 (VCV001033344.10), dbSNP rs745917157, ClinGen allele CA810840.